The following is an entry in ClinVar:

ClinVar aggregate classification (germline): Uncertain significance (1 of 4 stars; one submission).

Submission:

GeneDx
Classification: Uncertain significance. Last evaluated: 2025-03-04. Review status: criteria provided, single submitter. Criteria: GeneDx Variant Classification Process June 2021. Collection method: clinical testing. Allele origin: germline. Affected: yes.
Comment: Not observed at significant frequency in large population cohorts (gnomAD); In silico analysis supports that this missense variant has a deleterious effect on protein structure/function; Has not been previously published as pathogenic or benign to our knowledge

NM_017849.4(TMEM127):c.482A>T (p.His161Leu)

Gene: TMEM127 (transmembrane protein 127; minus strand). Cytogenetic location: 2q11.2.
Variant type: single nucleotide variant.
Coding change: c.482A>T on transcript NM_017849.4 (MANE Select); coding-DNA position 482, A replaced by T.
Protein change: p.His161Leu; replaces histidine 161 with leucine.
Molecular consequence: missense variant.
Genome position (GRCh38, 1-based): chr2:96,254,043, T>A on the plus strand (A>T on the coding strand, the complement: TMEM127 is on the minus strand). VCF-style: chr2-96254043-T-A. GRCh37 (hg19) VCF-style: chr2-96919781-T-A.
Other names: c.482A>T, p.His161Leu (NM_001193304.3); c.230A>T, p.His77Leu (NM_001407282.1, NM_001407283.1); short protein forms H161L, H77L.
Identifiers: ClinVar variation 4082609 (VCV004082609.1).